The following is an entry in ClinVar:

NM_002439.5(MSH3):c.1765G>A (p.Glu589Lys)

Gene: MSH3 (mutS homolog 3; plus strand). Cytogenetic location: 5q14.1.
Variant type: single nucleotide variant.
Coding change: c.1765G>A on transcript NM_002439.5 (MANE Select); coding-DNA position 1765, G replaced by A.
Protein change: p.Glu589Lys; replaces glutamic acid 589 with lysine.
Molecular consequence: missense variant.
Genome position (GRCh38, 1-based): chr5:80,761,547, G>A. VCF-style: chr5-80761547-G-A. GRCh37 (hg19) VCF-style: chr5-80057366-G-A.
Other names: c.1765G>A (NM_002439.3); short protein forms E589K.
Identifiers: ClinVar variation 951352 (VCV000951352.12), dbSNP rs766156923, ClinGen allele CA360276468.
Genomic context (GRCh38, chr5:80,761,547, plus strand): 5'-AATGTCTATATTCTGAATTCCTAACATATCTGATTATTGCTATTACTCTTTTCTCACAGG[G>A]AAATAAATGCCCGGCTTGATGCTGTATCGGAAGTTCTCCATTCAGAATCTAGTGTGTTTG-3'
Protein context (NP_002430.3, residues 579-599): WVTQPLLKLR[Glu589Lys]INARLDAVSE

ClinVar aggregate classification (germline): Uncertain significance. Review status: criteria provided, multiple submitters, no conflicts (2 of 4 stars). 4 submissions from 4 submitters: Uncertain significance (4). Last evaluated 2025-06-09.

Conditions:
Hereditary cancer-predisposing syndrome. Also called: Tumor predisposition; Hereditary neoplastic syndrome; Neoplastic Syndromes, Hereditary; Hereditary Cancer Syndrome. Identifiers: Orphanet 140162, MedGen C0027672, MeSH D009386, MONDO:0015356.

Submissions (4):

Ambry Genetics
Classification: Uncertain significance for Hereditary cancer-predisposing syndrome. Last evaluated: 2025-06-09. Review status: criteria provided, single submitter. Criteria: Ambry Variant Classification Scheme 2023. Collection method: clinical testing. Allele origin: germline.
Comment: The p.E589K variant (also known as c.1765G>A), located in coding exon 13 of the MSH3 gene, results from a G to A substitution at nucleotide position 1765. The glutamic acid at codon 589 is replaced by lysine, an amino acid with similar properties. This amino acid position is not well conserved in available vertebrate species. In addition, this alteration is predicted to be tolerated by in silico analysis. Based on the available evidence, the clinical significance of this variant remains unclear.

Quest Diagnostics Nichols Institute San Juan Capistrano
Classification: Uncertain significance. Last evaluated: 2024-09-30. Review status: criteria provided, single submitter. Criteria: Quest Diagnostics criteria. Collection method: clinical testing. Allele origin: unknown.
Comment: The MSH3 c.1765G>A (p.Glu589Lys) variant has not been reported in individuals with MSH3-related conditions in the published literature. It also has not been reported in large, multi-ethnic general populations (Genome Aggregation Database). Analysis of this variant using bioinformatics tools for the prediction of the effect of amino acid changes on protein structure and function yielded predictions that this variant is benign. Based on the available information, we are unable to determine the clinical significance of this variant.

Labcorp Genetics (formerly Invitae), Labcorp
Classification: Uncertain significance. Last evaluated: 2024-08-11. Review status: criteria provided, single submitter. Criteria: Invitae Variant Classification Sherloc (09022015). Collection method: clinical testing. Allele origin: germline.
Comment: This sequence change replaces glutamic acid, which is acidic and polar, with lysine, which is basic and polar, at codon 589 of the MSH3 protein (p.Glu589Lys). This variant is not present in population databases (gnomAD no frequency). This variant has not been reported in the literature in individuals affected with MSH3-related conditions. ClinVar contains an entry for this variant (Variation ID: 951352). An algorithm developed to predict the effect of missense changes on protein structure and function outputs the following: PolyPhen-2: "Benign". The lysine amino acid residue is found in multiple mammalian species, which suggests that this missense change does not adversely affect protein function. In summary, the available evidence is currently insufficient to determine the role of this variant in disease. Therefore, it has been classified as a Variant of Uncertain Significance.

GeneDx
Classification: Uncertain significance. Last evaluated: 2022-07-07. Review status: criteria provided, single submitter. Criteria: GeneDx Variant Classification Process June 2021. Collection method: clinical testing. Allele origin: germline. Affected: yes.
Comment: Not observed at significant frequency in large population cohorts (gnomAD); In silico analysis supports that this missense variant does not alter protein structure/function; Has not been previously published as pathogenic or benign to our knowledge